The following is an entry in ClinVar:

NM_001371727.1(GABRB2):c.970G>A (p.Ala324Thr)

Gene: GABRB2 (gamma-aminobutyric acid type A receptor subunit beta2; minus strand). Cytogenetic location: 5q34.
Variant type: single nucleotide variant.
Coding change: c.970G>A on transcript NM_001371727.1 (MANE Select); coding-DNA position 970, G replaced by A.
Protein change: p.Ala324Thr; replaces alanine 324 with threonine.
Molecular consequence: missense variant.
Genome position (GRCh38, 1-based): chr5:161,330,990, C>T on the plus strand (G>A on the coding strand, the complement: GABRB2 is on the minus strand). VCF-style: chr5-161330990-C-T. GRCh37 (hg19) VCF-style: chr5-160757997-C-T.
Other names: c.970G>A, p.Ala324Thr (NM_000813.3, NM_021911.3); short protein forms A324T.
Identifiers: ClinVar variation 5022117 (VCV005022117.1).

ClinVar aggregate classification (germline): Uncertain significance (1 of 4 stars; one submission).

Conditions:
Inborn genetic diseases. Identifiers: MedGen C0950123, MeSH D030342.

Submission:

Ambry Genetics
Classification: Uncertain significance for Inborn genetic diseases. Last evaluated: 2026-07-06. Review status: criteria provided, single submitter. Criteria: Ambry Variant Classification Scheme 2023. Collection method: clinical testing. Allele origin: germline.
Comment: The c.970G>A (p.A324T) alteration is located in exon 9 (coding exon 8) of the GABRB2 gene. This alteration results from a G to A substitution at nucleotide position 970, causing the alanine (A) at amino acid position 324 to be replaced by a threonine (T). This variant was not reported in population-based cohorts in the Genome Aggregation Database (gnomAD). This amino acid position is highly conserved in available vertebrate species. This missense variant is located in a region that has a low rate of benign missense variation (Lek, 2016; Firth, 2009). This alteration is predicted to be deleterious by in silico analysis. Based on insufficient or conflicting evidence, the clinical significance of this alteration remains unclear.